The following is an entry in ClinVar:

ClinVar aggregate classification (germline): Benign. Review status: criteria provided, multiple submitters, no conflicts (2 of 4 stars). 14 submissions from 13 submitters: Benign (9). 5 of the submissions do not count toward it. Last evaluated 2026-02-03.

Conditions:
Naxos disease (NXD). Also called: KERATOSIS PALMOPLANTARIS WITH ARRHYTHMOGENIC CARDIOMYOPATHY; MAL DE NAXOS; PALMOPLANTAR KERATODERMA WITH ARRHYTHMOGENIC RIGHT VENTRICULAR CARDIOMYOPATHY AND WOOLLY HAIR; WOOLLY HAIR, PALMOPLANTAR KERATODERMA, AND CARDIAC ABNORMALITIES; CARDIOMYOPATHY, ARRHYTHMOGENIC RIGHT VENTRICULAR, WITH SKIN, HAIR, AND NAIL ABNORMALITIES. Identifiers: Orphanet 34217, MedGen C1832600, MONDO:0011017, OMIM 601214.
Arrhythmogenic right ventricular dysplasia 12. Also called: ARRHYTHMOGENIC RIGHT VENTRICULAR DYSPLASIA, FAMILIAL, 12. Identifiers: MedGen C1969081, MONDO:0012684, OMIM 611528.
Cardiomyopathy (CMYO). Also called: Cardiomyopathies. Identifiers: Orphanet 167848, MedGen C0878544, MONDO:0004994, HP:0001638. Inheritance: Various modes of inheritance.

Allele frequency attached by ClinVar (database versions not stated): gnomAD exomes 0.00440 and 0.01106; ExAC 0.01871; gnomAD 0.04333 and 0.04634; ESP Exome Variant Server 0.04871; TOPMed 0.04888; 1000 Genomes Project 0.05152; 1000 Genomes Project 30x 0.05184.
gnomAD v4.1: 13,405 of 1,598,466 alleles (0.84%); highest among the groups gnomAD compares: African/African-American, 15%; 934 homozygotes.

Submissions (14):

Labcorp Genetics (formerly Invitae), Labcorp
Classification: Benign for Arrhythmogenic right ventricular dysplasia 12; Naxos disease. Last evaluated: 2026-02-03. Review status: criteria provided, single submitter. Criteria: Invitae Variant Classification Sherloc (09022015). Collection method: clinical testing. Allele origin: germline.

Molecular Diagnostic Laboratory for Inherited Cardiovascular Disease, Montreal Heart Institute
Classification: Benign. Last evaluated: 2025-04-09. Review status: criteria provided, single submitter. Criteria: ACMG Guidelines, 2015. Collection method: clinical testing. Allele origin: germline. Affected: no.

Illumina Laboratory Services, Illumina
Classification: Benign for Arrhythmogenic right ventricular dysplasia 12. Last evaluated: 2018-01-13. Review status: criteria provided, single submitter. Criteria: ICSL Variant Classification Criteria 13 December 2019. Collection method: clinical testing. Allele origin: germline.
Comment: This variant was observed in the ICSL laboratory as part of a predisposition screen in an ostensibly healthy population. It had not been previously curated by ICSL or reported in the Human Gene Mutation Database (HGMD: prior to June 1st, 2018), and was therefore a candidate for classification through an automated scoring system. Utilizing variant allele frequency, disease prevalence and penetrance estimates, and inheritance mode, an automated score was calculated to assess if this variant is too frequent to cause the disease. Based on the score and internal cut-off values, a variant classified as benign is not then subjected to further curation. The score for this variant resulted in a classification of benign for this disease.

Illumina Laboratory Services, Illumina
Classification: Benign for Naxos disease. Last evaluated: 2018-01-13. Review status: criteria provided, single submitter. Criteria: ICSL Variant Classification Criteria 13 December 2019. Collection method: clinical testing. Allele origin: germline.
Comment: the same text as in the submission from Illumina Laboratory Services, Illumina above.

GeneDx
Classification: Benign. Last evaluated: 2015-03-03. Review status: criteria provided, single submitter. Criteria: GeneDx Variant Classification Process June 2021. Collection method: clinical testing. Allele origin: germline. Affected: yes.

Mayo Clinic Laboratories, Mayo Clinic
Classification: Benign. Last evaluated: 2014-03-07. Review status: criteria provided, single submitter. Criteria: ACMG Guidelines, 2015. Collection method: clinical testing. Allele origin: germline. Observed: 67 variant alleles.

Laboratory for Molecular Medicine, Mass General Brigham Personalized Medicine
Classification: Benign. Last evaluated: 2012-04-24. Review status: criteria provided, single submitter. Criteria: LMM Criteria. Collection method: clinical testing. Allele origin: germline. Observed: 89 variant alleles.

Breakthrough Genomics
Classification: Benign. Review status: criteria provided, single submitter. Criteria: ACMG Guidelines, 2015. Collection method: not provided. Allele origin: germline. Inheritance: Autosomal recessive inheritance. Affected: yes.

PreventionGenetics, part of Exact Sciences
Classification: Benign. Review status: criteria provided, single submitter. Criteria: ACMG Guidelines, 2015. Collection method: clinical testing. Allele origin: germline.

Cohesion Phenomics
Classification: Benign for Cardiomyopathy. Last evaluated: 2022-09-23. Review status: no assertion criteria provided. Criteria: ACMG Guidelines, 2015. Collection method: clinical testing. Allele origin: germline. Affected: yes. Not counted in ClinVar's aggregate classification.

Clinical Genetics DNA and cytogenetics Diagnostics Lab, Erasmus MC, Erasmus Medical Center
Classification: Benign. Review status: no assertion criteria provided. Collection method: clinical testing. Allele origin: germline. Affected: yes. Study: VKGL Data-share Consensus. Not counted in ClinVar's aggregate classification.

Clinical Genetics, Academic Medical Center
Classification: Benign. Review status: no assertion criteria provided. Collection method: clinical testing. Allele origin: germline. Affected: yes. Study: VKGL Data-share Consensus. Not counted in ClinVar's aggregate classification.

Genome Diagnostics Laboratory, University Medical Center Utrecht
Classification: Benign. Review status: no assertion criteria provided. Collection method: clinical testing. Allele origin: germline. Affected: yes. Study: VKGL Data-share Consensus. Not counted in ClinVar's aggregate classification.

Joint Genome Diagnostic Labs from Nijmegen and Maastricht, Radboudumc and MUMC+
Classification: Likely benign. Review status: no assertion criteria provided. Collection method: clinical testing. Allele origin: germline. Affected: yes. Study: VKGL Data-share Consensus. Not counted in ClinVar's aggregate classification.

NM_002230.4(JUP):c.1653+10C>A

Gene: JUP (junction plakoglobin; minus strand). Cytogenetic location: 17q21.2.
Variant type: single nucleotide variant.
Coding change: c.1653+10C>A on transcript NM_002230.4 (MANE Select); 10 bases into the intron after coding-DNA position 1653, C replaced by A.
Molecular consequence: intron variant.
Genome position (GRCh38, 1-based): chr17:41,758,705, G>T on the plus strand (C>A on the coding strand, the complement: JUP is on the minus strand). VCF-style: chr17-41758705-G-T. GRCh37 (hg19) VCF-style: chr17-39914957-G-T.
Other names: p.?; c.1653+10C>A (NM_001352774.2, NM_021991.4, NM_001352776.2 and 4 more transcripts).
Identifiers: ClinVar variation 45838 (VCV000045838.28), dbSNP rs73983658, ClinGen allele CA137150.
Genomic context (GRCh38, chr17:41,758,705, plus strand): 5'-CACACACACACCCACAGAGGACACCCTGACCCCCCAGGAAGGCTGTCAGAGGCACCACCA[G>T]CTCACATACCGTGTAGGGCTGCTGTGTGCCTGCAGCTACGTGGCGCTGGGCATCCTGGTG-3'